The following is an entry in ClinVar:

NM_003803.4(MYOM1):c.3578C>T (p.Thr1193Met)

Gene: MYOM1 (myomesin 1; minus strand). Cytogenetic location: 18p11.31.
Variant type: single nucleotide variant.
Coding change: c.3578C>T on transcript NM_003803.4 (MANE Select); coding-DNA position 3578, C replaced by T.
Protein change: p.Thr1193Met; replaces threonine 1193 with methionine.
Molecular consequence: missense variant.
Genome position (GRCh38, 1-based): chr18:3,100,424, G>A on the plus strand (C>T on the coding strand, the complement: MYOM1 is on the minus strand). VCF-style: chr18-3100424-G-A. GRCh37 (hg19) VCF-style: chr18-3100422-G-A.
Other names: c.3290C>T, p.Thr1097Met (NM_019856.2); short protein forms T1193M, T1097M.
Identifiers: ClinVar variation 951798 (VCV000951798.8), dbSNP rs755768408, ClinGen allele CA8874238.
Genomic context (GRCh38, chr18:3,100,424, plus strand): 5'-GTTACATCGCAAGAGTAAATACCCAAGTCATCCATCCCAAGGTCTTTGAAGGTCATTTTC[G>A]TCCTTCGGAACAAAATATTTTTCTTAGAAATGAGGCTGTGTGGGATCTGTGGGCCTGTGT-3'
Protein context (NP_003794.3, residues 1183-1203): RLEVESKGNK[Thr1193Met]KMTFKDLGMD

ClinVar aggregate classification (germline): Uncertain significance. Review status: criteria provided, multiple submitters, no conflicts (2 of 4 stars). 2 submissions from 2 submitters: Uncertain significance (2). Last evaluated 2025-01-11.

Conditions:
Hypertrophic cardiomyopathy. Also called: HYPERTROPHIC MYOCARDIOPATHY. Identifiers: Orphanet 217569, MedGen C0007194, MeSH D002312, MONDO:0005045, HP:0001639.

Allele frequency attached by ClinVar (database versions not stated): TOPMed 0.00003; gnomAD exomes 0.00005 and 0.00011; ExAC 0.00009; gnomAD 0.00010 and 0.00011.
gnomAD v4.1: 87 of 1,611,832 alleles (0.0054%); highest among the groups gnomAD compares: Admixed American, 0.0067%; no homozygotes.

Submissions (2):

Labcorp Genetics (formerly Invitae), Labcorp
Classification: Uncertain significance for Hypertrophic cardiomyopathy. Last evaluated: 2025-01-11. Review status: criteria provided, single submitter. Criteria: Invitae Variant Classification Sherloc (09022015). Collection method: clinical testing. Allele origin: germline.
Comment: This sequence change replaces threonine, which is neutral and polar, with methionine, which is neutral and non-polar, at codon 1193 of the MYOM1 protein (p.Thr1193Met). This variant is present in population databases (rs755768408, gnomAD 0.07%), and has an allele count higher than expected for a pathogenic variant. This variant has not been reported in the literature in individuals affected with MYOM1-related conditions. ClinVar contains an entry for this variant (Variation ID: 951798). An algorithm developed to predict the effect of missense changes on protein structure and function (PolyPhen-2) suggests that this variant is likely to be disruptive. In summary, the available evidence is currently insufficient to determine the role of this variant in disease. Therefore, it has been classified as a Variant of Uncertain Significance.

Breakthrough Genomics
Classification: Uncertain significance. Review status: criteria provided, single submitter. Criteria: ACMG Guidelines, 2015. Collection method: not provided. Allele origin: germline. Inheritance: Unknown mechanism. Affected: yes.